The following is an entry in ClinVar:

ClinVar aggregate classification (germline): Uncertain significance (1 of 4 stars; one submission).

Submission:

GeneDx
Classification: Uncertain significance. Last evaluated: 2025-01-05. Review status: criteria provided, single submitter. Criteria: GeneDx Variant Classification Process June 2021. Collection method: clinical testing. Allele origin: germline.
Comment: Not observed at significant frequency in large population cohorts (gnomAD); In silico analysis supports that this missense variant has a deleterious effect on protein structure/function; Has not been previously published as pathogenic or benign to our knowledge

NM_006796.3(AFG3L2):c.937T>C (p.Cys313Arg)

Gene: AFG3L2 (AFG3 like matrix AAA peptidase subunit 2; minus strand). Cytogenetic location: 18p11.21.
Variant type: single nucleotide variant.
Coding change: c.937T>C on transcript NM_006796.3 (MANE Select); coding-DNA position 937, T replaced by C.
Protein change: p.Cys313Arg; replaces cysteine 313 with arginine.
Molecular consequence: missense variant.
Genome position (GRCh38, 1-based): chr18:12,358,759, A>G on the plus strand (T>C on the coding strand, the complement: AFG3L2 is on the minus strand). VCF-style: chr18-12358759-A-G. GRCh37 (hg19) VCF-style: chr18-12358758-A-G.
Other names: short protein forms C313R.
Identifiers: ClinVar variation 1804386 (VCV001804386.2), dbSNP rs2510230318, ClinGen allele CA401953571.